The following is an entry in ClinVar:

NM_005251.3(FOXC2):c.695G>A (p.Ser232Asn)

Gene: FOXC2 (forkhead box C2; plus strand). Cytogenetic location: 16q24.1.
Variant type: single nucleotide variant.
Coding change: c.695G>A on transcript NM_005251.3 (MANE Select); coding-DNA position 695, G replaced by A.
Protein change: p.Ser232Asn; replaces serine 232 with asparagine.
Molecular consequence: missense variant.
Genome position (GRCh38, 1-based): chr16:86,568,030, G>A. VCF-style: chr16-86568030-G-A. GRCh37 (hg19) VCF-style: chr16-86601636-G-A.
Other names: short protein forms S232N.
Identifiers: ClinVar variation 2099712 (VCV002099712.6), dbSNP rs200039004, ClinGen allele CA8218389.

ClinVar aggregate classification (germline): Likely benign. Review status: criteria provided, multiple submitters, no conflicts (2 of 4 stars). 2 submissions from 2 submitters: Likely benign (2). Last evaluated 2025-04-23.

Allele frequency attached by ClinVar (database versions not stated): gnomAD 0.00010; ExAC 0.00017; gnomAD exomes 0.00024; 1000 Genomes Project 30x 0.00031; 1000 Genomes Project 0.00040; TOPMed 0.00004.

Submissions (2):

Women's Health and Genetics/Laboratory Corporation of America, LabCorp
Classification: Likely benign. Last evaluated: 2025-04-23. Review status: criteria provided, single submitter. Criteria: LabCorp Variant Classification Summary - May 2015. Collection method: clinical testing. Allele origin: germline.
Comment: Variant summary: FOXC2 c.695G>A (p.Ser232Asn) results in a conservative amino acid change in the encoded protein sequence. Two of four in-silico tools predict a benign effect of the variant on protein function. The variant allele was found at a frequency of 0.00022 in 1476736 control chromosomes, predominantly at a frequency of 0.0077 within the East Asian subpopulation in the gnomAD database, including 4 homozygotes. The observed variant frequency within East Asian control individuals in the gnomAD database exceeds the estimated maximal expected allele frequency for a pathogenic variant in FOXC2 causing Distichiasis-Lymphedema Syndrome phenotype. c.695G>A has been observed in the heterozygous state individuals affected with congenital heart defects (Wei_2024). These report(s) do not provide unequivocal conclusions about association of the variant with Distichiasis-Lymphedema Syndrome. To our knowledge, no experimental evidence demonstrating an impact on protein function has been reported. The following publication have been ascertained in the context of this evaluation (PMID: 38580085). ClinVar contains an entry for this variant (Variation ID: 2099712). Based on the evidence outlined above, the variant was classified as likely benign.

Labcorp Genetics (formerly Invitae), Labcorp
Classification: Likely benign. Last evaluated: 2024-11-13. Review status: criteria provided, single submitter. Criteria: Invitae Variant Classification Sherloc (09022015). Collection method: clinical testing. Allele origin: germline.

Literature cited by the submitters: PubMed 38580085 (cited by Women's Health and Genetics/Laboratory Corporation of America, LabCorp).